The following is an entry in ClinVar:

NM_004958.4(MTOR):c.4504A>C (p.Thr1502Pro)

Gene: MTOR (mechanistic target of rapamycin kinase; minus strand). Cytogenetic location: 1p36.22.
Variant type: single nucleotide variant.
Coding change: c.4504A>C on transcript NM_004958.4 (MANE Select); coding-DNA position 4504, A replaced by C.
Protein change: p.Thr1502Pro; replaces threonine 1502 with proline.
Molecular consequence: missense variant.
Genome position (GRCh38, 1-based): chr1:11,150,192, T>G on the plus strand (A>C on the coding strand, the complement: MTOR is on the minus strand). VCF-style: chr1-11150192-T-G. GRCh37 (hg19) VCF-style: chr1-11210249-T-G.
Other names: c.4504A>C, p.Thr1502Pro (NM_001386500.1); c.3256A>C, p.Thr1086Pro (NM_001386501.1); short protein forms T1502P, T1086P.
Identifiers: ClinVar variation 1387024 (VCV001387024.6), dbSNP rs748220176, ClinGen allele CA338369798.

ClinVar aggregate classification (germline): Uncertain significance (1 of 4 stars; one submission).

Submission:

Labcorp Genetics (formerly Invitae), Labcorp
Classification: Uncertain significance. Last evaluated: 2021-10-14. Review status: criteria provided, single submitter. Criteria: Invitae Variant Classification Sherloc (09022015). Collection method: clinical testing. Allele origin: germline.
Comment: This sequence change replaces threonine with proline at codon 1502 of the MTOR protein (p.Thr1502Pro). The threonine residue is moderately conserved and there is a small physicochemical difference between threonine and proline. This variant is not present in population databases (ExAC no frequency). This variant has not been reported in the literature in individuals affected with MTOR-related conditions. Advanced modeling of protein sequence and biophysical properties (such as structural, functional, and spatial information, amino acid conservation, physicochemical variation, residue mobility, and thermodynamic stability) performed at Invitae indicates that this missense variant is not expected to disrupt MTOR protein function. In summary, the available evidence is currently insufficient to determine the role of this variant in disease. Therefore, it has been classified as a Variant of Uncertain Significance.